The following is an entry in ClinVar:

ClinVar aggregate classification (germline): Uncertain significance (1 of 4 stars; one submission).

Conditions:
RSF1-related neurodevelopmental disorder.

Submission:

Equipe Genetique des Anomalies du Developpement, Université de Bourgogne
Classification: Uncertain significance for RSF1-related neurodevelopmental disorder. Last evaluated: 2025-11-10. Review status: criteria provided, single submitter. Criteria: ACMG Guidelines, 2015. Collection method: research. Allele origin: unknown. Affected: yes.
Comment: This is a heterozygous splice donor site variant NM_016578.3:c.3133+1G>T p.(?) in the gene RSF1 (chr11:g.77678085C>A, GRCh38). This variant affects the canonical +1 position of the splice donor site and is predicted to disrupt normal splicing. It is absent from the database gnomAD (v4.1.0). In silico prediction metrics support a deleterious effect (CADD-Phred: 34; SpliceAI donor loss: 1.00; SPiP: 98.41%). According to current evidence, this variant is classified as a variant of uncertain significance (class 3, according to ACMG criteria).

NM_016578.4(RSF1):c.3133+1G>T

Gene: RSF1 (remodeling and spacing factor 1; minus strand). Cytogenetic location: 11q14.1.
Variant type: single nucleotide variant.
Coding change: c.3133+1G>T on transcript NM_016578.4 (MANE Select); the canonical splice donor site of the intron after coding-DNA position 3133, G replaced by T.
Molecular consequence: splice donor variant.
Genome position (GRCh38, 1-based): chr11:77,678,085, C>A on the plus strand (G>T on the coding strand, the complement: RSF1 is on the minus strand). VCF-style: chr11-77678085-C-A. GRCh37 (hg19) VCF-style: chr11-77389130-C-A.
Identifiers: ClinVar variation 4528927 (VCV004528927.1).
Genomic context (GRCh38, chr11:77,678,085, plus strand): 5'-GGGCACCTGAATGAACTTCTTGGCAGAGTTCTATGAAGAAGAGAGAACGACAAACACATA[C>A]CTCCTCCATCGGCTTCTTTGATGTCATCTTCAATAGCTTCATCAATTGCTTCATCAAACT-3'